The following is an entry in ClinVar:

ClinVar aggregate classification (germline): Uncertain significance (1 of 4 stars; one submission).

Allele frequency attached by ClinVar (database versions not stated): gnomAD exomes below 0.00001.
gnomAD v4.1: 2 of 1,613,178 alleles (0.00012%); highest among the groups gnomAD compares: Non-Finnish European, 0.00017%; no homozygotes.

Submission:

Labcorp Genetics (formerly Invitae), Labcorp
Classification: Uncertain significance. Last evaluated: 2022-07-05. Review status: criteria provided, single submitter. Criteria: Invitae Variant Classification Sherloc (09022015). Collection method: clinical testing. Allele origin: germline.
Comment: This variant has not been reported in the literature in individuals affected with HTRA1-related conditions. ClinVar contains an entry for this variant (Variation ID: 1389927). Algorithms developed to predict the effect of missense changes on protein structure and function are either unavailable or do not agree on the potential impact of this missense change (SIFT: "Tolerated"; PolyPhen-2: "Probably Damaging"; Align-GVGD: "Class C0"). In summary, the available evidence is currently insufficient to determine the role of this variant in disease. Therefore, it has been classified as a Variant of Uncertain Significance. This variant is not present in population databases (gnomAD no frequency). This sequence change replaces valine, which is neutral and non-polar, with isoleucine, which is neutral and non-polar, at codon 417 of the HTRA1 protein (p.Val417Ile).

NM_002775.5(HTRA1):c.1249G>A (p.Val417Ile)

Gene: HTRA1 (HtrA serine peptidase 1; plus strand). Cytogenetic location: 10q26.13.
Variant type: single nucleotide variant.
Coding change: c.1249G>A on transcript NM_002775.5 (MANE Select); coding-DNA position 1249, G replaced by A.
Protein change: p.Val417Ile; replaces valine 417 with isoleucine.
Molecular consequence: missense variant.
Genome position (GRCh38, 1-based): chr10:122,512,040, G>A. VCF-style: chr10-122512040-G-A. GRCh37 (hg19) VCF-style: chr10-124271556-G-A.
Other names: short protein forms V417I.
Identifiers: ClinVar variation 1389927 (VCV001389927.8), dbSNP rs2133453312, ClinGen allele CA378588248.